The following is an entry in ClinVar:

ClinVar aggregate classification (germline): Likely benign. Review status: criteria provided, single submitter (1 of 4 stars). 2 submissions from 2 submitters: Likely benign (1). 1 of the submissions does not count toward it. Last evaluated 2026-05-01.

Conditions:
ANKRD17-related disorder. Also called: ANKRD17-related condition.

Allele frequency attached by ClinVar (database versions not stated): 1000 Genomes Project 0.00100; ExAC 0.00121; 1000 Genomes Project 30x 0.00125; ESP Exome Variant Server 0.00131; TOPMed 0.00204; gnomAD 0.00173.
gnomAD v4.1: 3,305 of 1,586,516 alleles (0.21%); highest among the groups gnomAD compares: Non-Finnish European, 0.26%; 3 homozygotes.

Submissions (2):

CeGaT Center for Human Genetics Tuebingen
Classification: Likely benign. Last evaluated: 2026-05-01. Review status: criteria provided, single submitter. Criteria: CeGaT Center For Human Genetics Tuebingen Variant Classification Criteria Version 2. Collection method: clinical testing. Allele origin: germline. Affected: yes. Observed: 2 variant alleles.
Comment: ANKRD17: BP4, BS1

PreventionGenetics, part of Exact Sciences
Classification: Likely benign for ANKRD17-related condition. Last evaluated: 2021-12-27. Review status: no assertion criteria provided. Collection method: clinical testing. Allele origin: germline. Not counted in ClinVar's aggregate classification.
Comment: This variant is classified as likely benign based on ACMG/AMP sequence variant interpretation guidelines (Richards et al. 2015 PMID: 25741868, with internal and published modifications).

NM_032217.5(ANKRD17):c.705-5A>C

Gene: ANKRD17 (ankyrin repeat domain 17; minus strand). Cytogenetic location: 4q13.3.
Variant type: single nucleotide variant.
Coding change: c.705-5A>C on transcript NM_032217.5 (MANE Select); 5 bases into the intron before coding-DNA position 705, A replaced by C.
Molecular consequence: intron variant.
Genome position (GRCh38, 1-based): chr4:73,156,171, T>G on the plus strand (A>C on the coding strand, the complement: ANKRD17 is on the minus strand). VCF-style: chr4-73156171-T-G. GRCh37 (hg19) VCF-style: chr4-74021888-T-G.
Other names: c.705-5A>C (NM_198889.3, NM_015574.2); c.366-5A>C (NM_001286771.3).
Identifiers: ClinVar variation 3035859 (VCV003035859.6), dbSNP rs182259689, ClinGen allele CA2959079.
Genomic context (GRCh38, chr4:73,156,171, plus strand): 5'-GTAACTTTCGCACAGCATTTACATCTCCTTCTGAACAGGCTTCTGCCAAACTGCGGCTAT[T>G]ACGGAAAGAATATCACAATACCAGAATATAAGAATATTAAAAAATTGCACAGCATAAATA-3'